The following is an entry in ClinVar:

NM_001012614.2(CTBP1):c.537G>A (p.Ala179=)

Genes: CTBP1 (C-terminal binding protein 1; minus strand), CTBP1-AS (CTBP1 antisense RNA; plus strand). Cytogenetic location: 4p16.3.
Variant type: single nucleotide variant.
Coding change: c.537G>A on transcript NM_001012614.2 (MANE Select); coding-DNA position 537, G replaced by A.
Protein change: p.Ala179=; no amino-acid change (alanine 179 retained).
Molecular consequence: synonymous variant. On other transcripts: non-coding transcript variant (1).
Genome position (GRCh38, 1-based): chr4:1,216,183, C>T on the plus strand (G>A on the coding strand, the complement: CTBP1 is on the minus strand). VCF-style: chr4-1216183-C-T. GRCh37 (hg19) VCF-style: chr4-1209971-C-T.
Other names: c.570G>A, p.Ala190= (NM_001328.3).
Identifiers: ClinVar variation 752560 (VCV000752560.10), dbSNP rs186090455, ClinGen allele CA2804368.
Genomic context (GRCh38, chr4:1,216,183, plus strand): 5'-GCCATCCGACAAGTAAGGGTCGTAGAAGAGCACGTTGAAGCCGAAGGCCTTGGCCCGCAG[C>T]GCCACTGCCTGCCCCACGCGACCTGGTGGCGTCAAGACACAGTGTGAGACCCTTGCTCAC-3'
Protein context (NP_001012632.1, residues 169-189): IGLGRVGQAV[Ala179=]LRAKAFGFNV

ClinVar aggregate classification (germline): Likely benign. Review status: criteria provided, multiple submitters, no conflicts (2 of 4 stars). 2 submissions from 2 submitters: Likely benign (2). Last evaluated 2026-06-01.

Allele frequency attached by ClinVar (database versions not stated): ExAC 0.00003; gnomAD exomes 0.00003 and 0.00004; gnomAD 0.00006 and 0.00007; TOPMed 0.00010; 1000 Genomes Project 30x 0.00031; 1000 Genomes Project 0.00040.
gnomAD v4.1: 54 of 1,610,452 alleles (0.0034%); highest among the groups gnomAD compares: Admixed American, 0.012%; no homozygotes.

Submissions (2):

CeGaT Center for Human Genetics Tuebingen
Classification: Likely benign. Last evaluated: 2026-06-01. Review status: criteria provided, single submitter. Criteria: CeGaT Center For Human Genetics Tuebingen Variant Classification Criteria Version 2. Collection method: clinical testing. Allele origin: germline. Affected: yes. Observed: 1 variant allele.
Comment: CTBP1: BP4, BP7

Labcorp Genetics (formerly Invitae), Labcorp
Classification: Likely benign. Last evaluated: 2024-11-29. Review status: criteria provided, single submitter. Criteria: Invitae Variant Classification Sherloc (09022015). Collection method: clinical testing. Allele origin: germline.